The following is an entry in ClinVar:

NM_000548.5(TSC2):c.2966+16G>A

Gene: TSC2 (TSC complex subunit 2; plus strand). Cytogenetic location: 16p13.3.
Variant type: single nucleotide variant.
Coding change: c.2966+16G>A on transcript NM_000548.5 (MANE Select); 16 bases into the intron after coding-DNA position 2966, G replaced by A.
Molecular consequence: intron variant.
Genome position (GRCh38, 1-based): chr16:2,077,742, G>A. VCF-style: chr16-2077742-G-A. GRCh37 (hg19) VCF-style: chr16-2127743-G-A.
Other names: c.1493+1157G>A (NM_001406693.1, NM_001406690.1, NM_001406692.1 and 5 more transcripts); c.2927+1157G>A (NM_001406667.1, NM_001406668.1); c.2366+16G>A (NM_001406680.1, NM_001406683.1, NM_001406682.1 and 1 more transcripts); c.2237+1157G>A (NM_001406687.1, NM_001406685.1, NM_001318831.2 and 2 more transcripts); c.1622+16G>A (NM_001406689.1); c.1235+1157G>A (NM_001406698.1); c.2966+16G>A (NM_001114382.3, NM_001406663.1, NM_001406664.1); c.2837+1157G>A (NM_021055.3, NM_001370405.1, NM_001363528.2 and 3 more transcripts); and 8 more.
Identifiers: ClinVar variation 3653966 (VCV003653966.2).
Genomic context (GRCh38, chr16:2,077,742, plus strand): 5'-CTTCCGGTGCCGCAGCATCAGTGTGTCTGAACATGTGGTCCGCAGGTAGCGGGACTGTCG[G>A]GTGGGGGGCACGGACCCTGGAGCTTGGCCCCGTGAGCACCTGGGTGGCAGTGCATGGGGC-3'

ClinVar aggregate classification (germline): Uncertain significance (1 of 4 stars; one submission).

Conditions:
Tuberous sclerosis 2 (TSC2). Identifiers: Orphanet 805, MedGen C1860707, MONDO:0013199, OMIM 613254.

Submission:

Labcorp Genetics (formerly Invitae), Labcorp
Classification: Uncertain significance for Tuberous sclerosis 2. Last evaluated: 2024-05-21. Review status: criteria provided, single submitter. Criteria: Invitae Variant Classification Sherloc (09022015). Collection method: clinical testing. Allele origin: germline.
Comment: This sequence change falls in intron 26 of the TSC2 gene. It does not directly change the encoded amino acid sequence of the TSC2 protein. This variant is not present in population databases (gnomAD no frequency). This variant has not been reported in the literature in individuals affected with TSC2-related conditions. Algorithms developed to predict the effect of sequence changes on RNA splicing suggest that this variant may disrupt the consensus splice site. In summary, the available evidence is currently insufficient to determine the role of this variant in disease. Therefore, it has been classified as a Variant of Uncertain Significance.